The following is an entry in ClinVar:

NM_003924.4(PHOX2B):c.843C>T (p.Thr281=)

Gene: PHOX2B (paired like homeobox 2B; minus strand). Cytogenetic location: 4p13.
Variant type: single nucleotide variant.
Coding change: c.843C>T on transcript NM_003924.4 (MANE Select); coding-DNA position 843, C replaced by T.
Protein change: p.Thr281=; no amino-acid change (threonine 281 retained).
Molecular consequence: synonymous variant.
Genome position (GRCh38, 1-based): chr4:41,745,909, G>A on the plus strand (C>T on the coding strand, the complement: PHOX2B is on the minus strand). VCF-style: chr4-41745909-G-A. GRCh37 (hg19) VCF-style: chr4-41747926-G-A.
Identifiers: ClinVar variation 1548195 (VCV001548195.18), dbSNP rs2153112745, ClinGen allele CA439142900.

ClinVar aggregate classification (germline): Likely benign. Review status: criteria provided, multiple submitters, no conflicts (2 of 4 stars). 3 submissions from 3 submitters: Likely benign (3). Last evaluated 2025-08-01.

Conditions:
Hereditary cancer-predisposing syndrome. Also called: Tumor predisposition; Neoplastic Syndromes, Hereditary; Hereditary Cancer Syndrome; Hereditary neoplastic syndrome. Identifiers: Orphanet 140162, MedGen C0027672, MeSH D009386, MONDO:0015356.
Haddad syndrome (OHD). Also called: Ondine-Hirschsprung disease. Identifiers: Orphanet 99803, MedGen C1859049, MONDO:0020493.

Submissions (3):

CeGaT Center for Human Genetics Tuebingen
Classification: Likely benign. Last evaluated: 2025-08-01. Review status: criteria provided, single submitter. Criteria: CeGaT Center For Human Genetics Tuebingen Variant Classification Criteria Version 2. Collection method: clinical testing. Allele origin: germline. Affected: yes. Observed: 1 variant allele.
Comment: PHOX2B: PM2:Supporting, BP4, BP7

Labcorp Genetics (formerly Invitae), Labcorp
Classification: Likely benign for Haddad syndrome. Last evaluated: 2020-11-11. Review status: criteria provided, single submitter. Criteria: Invitae Variant Classification Sherloc (09022015). Collection method: clinical testing. Allele origin: germline.

Ambry Genetics
Classification: Likely benign for Hereditary cancer-predisposing syndrome. Last evaluated: 2020-06-10. Review status: criteria provided, single submitter. Criteria: Ambry Variant Classification Scheme 2023. Collection method: clinical testing. Allele origin: germline.